The following is an entry in ClinVar:

ClinVar aggregate classification (germline): Uncertain significance. Review status: criteria provided, multiple submitters, no conflicts (2 of 4 stars). 4 submissions from 4 submitters: Uncertain significance (3). 1 of the submissions does not count toward it. Last evaluated 2026-04-21.

Conditions:
Meniere disease. Also called: Ménière's disease. Identifiers: MedGen C0025281, MONDO:0007972, OMIM 156000.

Allele frequency attached by ClinVar (database versions not stated): ExAC 0.00004; gnomAD exomes 0.00008; gnomAD 0.00009; TOPMed 0.00012; 1000 Genomes Project 30x 0.00016; 1000 Genomes Project 0.00020.
gnomAD v4.1: 131 of 1,612,384 alleles (0.0081%); highest among the groups gnomAD compares: Admixed American, 0.017%; 1 homozygote.

Submissions (4):

GeneDx
Classification: Uncertain significance. Last evaluated: 2026-04-21. Review status: criteria provided, single submitter. Criteria: GeneDx Variant Classification Process June 2021. Collection method: clinical testing. Allele origin: germline.
Comment: In silico analysis supports that this missense variant has a deleterious effect on protein structure/function; Has not been previously published as pathogenic or benign to our knowledge

Labcorp Genetics (formerly Invitae), Labcorp
Classification: Uncertain significance. Last evaluated: 2025-12-30. Review status: criteria provided, single submitter. Criteria: Invitae Variant Classification Sherloc (09022015). Collection method: clinical testing. Allele origin: germline.
Comment: This sequence change replaces glutamic acid, which is acidic and polar, with glutamine, which is neutral and polar, at codon 235 of the MYH14 protein (p.Glu235Gln). This variant is present in population databases (rs200598771, gnomAD 0.01%). This variant has not been reported in the literature in individuals affected with MYH14-related conditions. ClinVar contains an entry for this variant (Variation ID: 2186275). Invitae Evidence Modeling of protein sequence and biophysical properties (such as structural, functional, and spatial information, amino acid conservation, physicochemical variation, residue mobility, and thermodynamic stability) indicates that this missense variant is expected to disrupt MYH14 protein function with a positive predictive value of 80%. In summary, the available evidence is currently insufficient to determine the role of this variant in disease. Therefore, it has been classified as a Variant of Uncertain Significance.

Blueprint Genetics
Classification: Uncertain significance. Last evaluated: 2024-09-06. Review status: criteria provided, single submitter. Criteria: ACMG Guidelines, 2015. Collection method: clinical testing. Allele origin: germline.

Center for Computational Biology & Bioinformatics, University of California, San Diego
Classification: Uncertain significance for Meniere disease. Last evaluated: 2024-06-03. Review status: no assertion criteria provided. Collection method: research. Allele origin: germline. Affected: yes. Not counted in ClinVar's aggregate classification.

NM_001145809.2(MYH14):c.727G>C (p.Glu243Gln)

Gene: MYH14 (myosin heavy chain 14; plus strand). Cytogenetic location: 19q13.33.
Variant type: single nucleotide variant.
Coding change: c.727G>C on transcript NM_001145809.2 (MANE Select); coding-DNA position 727, G replaced by C.
Protein change: p.Glu243Gln; replaces glutamic acid 243 with glutamine.
Molecular consequence: missense variant.
Genome position (GRCh38, 1-based): chr19:50,225,594, G>C. VCF-style: chr19-50225594-G-C. GRCh37 (hg19) VCF-style: chr19-50728851-G-C.
Other names: c.727G>C, p.Glu243Gln (NM_001077186.2); c.703G>C, p.Glu235Gln (NM_024729.4); c.703G>C (NM_024729.3); short protein forms E235Q, E243Q.
Identifiers: ClinVar variation 2186275 (VCV002186275.8), dbSNP rs200598771, ClinGen allele CA9592385.